The following is an entry in ClinVar:

NM_001382508.1(DROSHA):c.403_409delinsCCACTT (p.Ala135fs)

Gene: DROSHA (drosha ribonuclease III; minus strand). Cytogenetic location: 5p13.3.
Variant type: Indel.
Coding change: c.403_409delinsCCACTT on transcript NM_001382508.1 (MANE Select); coding-DNA positions 403 to 409, GCACCTC replaced by CCACTT.
Protein change: p.Ala135fs; shifts the reading frame from alanine 135.
Molecular consequence: frameshift variant.
Genome position (GRCh38, 1-based): chr5:31,526,524-31,526,530, GAGGTGC replaced by AAGTGG on the plus strand (GCACCTC replaced by CCACTT on the coding strand, the reverse complement: DROSHA is on the minus strand). VCF-style: chr5-31526524-GAGGTGC-AAGTGG. GRCh37 (hg19) VCF-style: chr5-31526631-GAGGTGC-AAGTGG.
Other names: c.403_409delinsCCACTT, p.Ala135fs (NM_001100412.2, NM_013235.5); short protein forms A135fs.
Identifiers: ClinVar variation 3393487 (VCV003393487.1).

ClinVar aggregate classification (germline): Pathogenic (0 of 4 stars; one submission).
ClinVar aggregate classification (oncogenicity): Likely oncogenic (0 of 4 stars; one submission).

Conditions:
Pineoblastoma. Identifiers: Orphanet 251909, MedGen C0205898, MONDO:0016722, HP:0030408.

Submissions (2):

Center for Precision Oncology and Cancer Prevention, Roswell Park Comprehensive Cancer Center
Classification: Pathogenic for Pineoblastoma. Last evaluated: 2024-11-22. Review status: no assertion criteria provided. Collection method: clinical testing. Allele origin: germline. Inheritance: Autosomal dominant inheritance. Affected: yes.
Comment: This was classified as pathogenic because the variant leads to a premature termination codon and was the first hit in a two-hit mechanism of pineoblastoma.

Center for Precision Oncology and Cancer Prevention, Roswell Park Comprehensive Cancer Center
Classification: Likely oncogenic for Pineoblastoma. Last evaluated: 2024-11-22. Review status: no assertion criteria provided. Collection method: clinical testing. Allele origin: somatic. Affected: yes. Observed: 1 variant allele.